The following is an entry in ClinVar:

ClinVar aggregate classification (germline): Benign. Review status: criteria provided, multiple submitters, no conflicts (2 of 4 stars). 4 submissions from 4 submitters: Benign (4). Last evaluated 2026-02-03.

Conditions:
Knobloch syndrome (KNO). Also called: RETINAL DETACHMENT AND OCCIPITAL ENCEPHALOCELE; Myopia retinal detachment encephalocele. Identifiers: Orphanet 1571, MedGen C1849409, MONDO:0800166.

Allele frequency attached by ClinVar (database versions not stated): gnomAD exomes 0.01623 and 0.02940; ExAC 0.03414; ESP Exome Variant Server 0.06832; gnomAD 0.06912 and 0.07106; TOPMed 0.07575; 1000 Genomes Project 30x 0.09432; 1000 Genomes Project 0.09585.
gnomAD v4.1: 34,761 of 1,613,908 alleles (2.2%); highest among the groups gnomAD compares: African/African-American, 22%; 2,371 homozygotes.

Submissions (4):

Labcorp Genetics (formerly Invitae), Labcorp
Classification: Benign. Last evaluated: 2026-02-03. Review status: criteria provided, single submitter. Criteria: Invitae Variant Classification Sherloc (09022015). Collection method: clinical testing. Allele origin: germline.

GeneDx
Classification: Benign. Last evaluated: 2021-05-04. Review status: criteria provided, single submitter. Criteria: GeneDx Variant Classification Process June 2021. Collection method: clinical testing. Allele origin: germline. Affected: yes.

Illumina Laboratory Services, Illumina
Classification: Benign for Knobloch syndrome 1. Last evaluated: 2018-01-13. Review status: criteria provided, single submitter. Criteria: ICSL Variant Classification Criteria 13 December 2019. Collection method: clinical testing. Allele origin: germline.
Comment: This variant was observed in the ICSL laboratory as part of a predisposition screen in an ostensibly healthy population. It had not been previously curated by ICSL or reported in the Human Gene Mutation Database (HGMD: prior to June 1st, 2018), and was therefore a candidate for classification through an automated scoring system. Utilizing variant allele frequency, disease prevalence and penetrance estimates, and inheritance mode, an automated score was calculated to assess if this variant is too frequent to cause the disease. Based on the score and internal cut-off values, a variant classified as benign is not then subjected to further curation. The score for this variant resulted in a classification of benign for this disease.

Breakthrough Genomics
Classification: Benign. Review status: criteria provided, single submitter. Criteria: ACMG Guidelines, 2015. Collection method: not provided. Allele origin: germline. Inheritance: Autosomal recessive inheritance. Affected: yes.

NM_001379500.1(COL18A1):c.828G>A (p.Ala276=)

Gene: COL18A1 (collagen type XVIII alpha 1 chain; plus strand). Cytogenetic location: 21q22.3.
Variant type: single nucleotide variant.
Coding change: c.828G>A on transcript NM_001379500.1 (MANE Select); coding-DNA position 828, G replaced by A.
Protein change: p.Ala276=; no amino-acid change (alanine 276 retained).
Molecular consequence: synonymous variant.
Genome position (GRCh38, 1-based): chr21:45,476,380, G>A. VCF-style: chr21-45476380-G-A. GRCh37 (hg19) VCF-style: chr21-46896294-G-A.
Other names: NM_130445.2:c.828G>A; c.1368G>A, p.Ala456= (NM_030582.4); c.2073G>A, p.Ala691= (NM_130444.3).
Identifiers: ClinVar variation 340208 (VCV000340208.16), dbSNP rs2230686, ClinGen allele CA10065949.
Genomic context (GRCh38, chr21:45,476,380, plus strand): 5'-ATAACAGGCCACCTCCCCTCTCGTCCTCCAGGGCGCGGCCCTAAAACCCAGGCTCCCCGC[G>A]CCACCCCCCGTCACCACGCCACCCTTGGCTGGAGGCAGCAGCACGGAAGATTCCAGAAGT-3'
Protein context (NP_001366429.1, residues 266-286): TGAALKPRLP[Ala276=]PPPVTTPPLA